The following is an entry in ClinVar:

ClinVar aggregate classification (germline): Likely pathogenic (1 of 4 stars; one submission).

Conditions:
Glycine encephalopathy. Also called: Nonketotic hyperglycinemia; Non-ketotic hyperglycinemia. Identifiers: Orphanet 407, MedGen C0751748, MONDO:0011612, HP:0008288.

Submission:

Natera, Inc.
Classification: Likely pathogenic for Non-ketotic hyperglycinemia. Last evaluated: 2025-01-16. Review status: criteria provided, single submitter. Criteria: Natera Variant Classification Schema (03/2026). Collection method: clinical testing. Allele origin: germline.
Comment: The c.1156-2A>T variant in GLDC is a canonical splice acceptor site variant predicted to affect pre-mRNA splicing, which may result in an abnormal transcript and altered protein product. This variant is expected to result in nonsense mediated decay, truncation, or a dysfunctional protein product. This variant is rare in the general population with a frequency below the threshold expected for the associated phenotype(s). Given the available evidence, this variant is classified as Likely Pathogenic.

NM_000170.3(GLDC):c.1156-2A>T

Gene: GLDC (glycine decarboxylase; minus strand). Cytogenetic location: 9p24.1.
Variant type: single nucleotide variant.
Coding change: c.1156-2A>T on transcript NM_000170.3 (MANE Select); the canonical splice acceptor site of the intron before coding-DNA position 1156, A replaced by T.
Molecular consequence: splice acceptor variant.
Genome position (GRCh38, 1-based): chr9:6,595,121, T>A on the plus strand (A>T on the coding strand, the complement: GLDC is on the minus strand). VCF-style: chr9-6595121-T-A. GRCh37 (hg19) VCF-style: chr9-6595121-T-A.
Identifiers: ClinVar variation 4068724 (VCV004068724.2).